The following is an entry in ClinVar:

NM_024422.6(DSC2):c.743_748del (p.Tyr248_Thr249del)

Gene: DSC2 (desmocollin 2; minus strand). Cytogenetic location: 18q12.1.
Variant type: Deletion.
Coding change: c.743_748del on transcript NM_024422.6 (MANE Select); coding-DNA positions 743 to 748, 6 bases deleted (ATACTT; older notation c.743_748delATACTT).
Protein change: p.Tyr248_Thr249del.
Molecular consequence: inframe deletion.
Genome position (GRCh38, 1-based): chr18:31,087,696-31,087,701, AAGTAT deleted on the plus strand (ATACTT on the coding strand, the reverse complement: DSC2 is on the minus strand); deleting any 6 consecutive bases within chr18:31,087,696-31,087,705 gives the same sequence; the c. name uses the placement nearest the transcript's 3' end. VCF-style (leftmost placement, unchanged base first): chr18-31087695-AAAGTAT-A. GRCh37 (hg19) VCF-style: chr18-28667658-AAAGTAT-A.
Other names: c.743_748del, p.Tyr248_Thr249del (NM_004949.5); c.743_748del6 (NM_024422.4).
Identifiers: ClinVar variation 228626 (VCV000228626.18), dbSNP rs776784065, ClinGen allele CA8924794.
Genomic context (GRCh38, chr18:31,087,695, plus strand): 5'-TAATTTGCCATATATTGTTTAAGGAGGTACTCACCCACTCTGCAATTTTCAAAAATTGTA[AAAGTAT>A]AAGTTTCTTCTGTAAAAATTGGGTAGTTATCATTTTCATCCTCTATTTTGATTATTAGGG-3'

ClinVar aggregate classification (germline): Uncertain significance. Review status: criteria provided, multiple submitters, no conflicts (2 of 4 stars). 6 submissions from 6 submitters: Uncertain significance (5). 1 of the submissions does not count toward it. Last evaluated 2025-10-19.

Conditions:
Familial isolated arrhythmogenic right ventricular dysplasia. Identifiers: Orphanet 217656, MedGen C4274968, MONDO:0016342.
DSC2-related disorder. Also called: DSC2-related condition.
Arrhythmogenic right ventricular dysplasia 11. Also called: Arrhythmogenic Right Ventricular Dysplasia/Cardiomyopathy11; ARRHYTHMOGENIC RIGHT VENTRICULAR DYSPLASIA, FAMILIAL, 11; Arrhythmogenic right ventricular dysplasia 11 with mild palmoplantar keratoderma and woolly hair. Identifiers: MedGen C1864850, MONDO:0012506, OMIM 610476.

Submissions (6):

Labcorp Genetics (formerly Invitae), Labcorp
Classification: Uncertain significance for Arrhythmogenic right ventricular dysplasia 11. Last evaluated: 2025-10-19. Review status: criteria provided, single submitter. Criteria: Invitae Variant Classification Sherloc (09022015). Collection method: clinical testing. Allele origin: germline.
Comment: This variant, c.743_748del, results in the deletion of 2 amino acid(s) of the DSC2 protein (p.Tyr248_Thr249del), but otherwise preserves the integrity of the reading frame. This variant is present in population databases (rs776784065, gnomAD 0.007%). This variant has not been reported in the literature in individuals affected with DSC2-related conditions. ClinVar contains an entry for this variant (Variation ID: 228626). Experimental studies and prediction algorithms are not available or were not evaluated, and the functional significance of this variant is currently unknown. In summary, the available evidence is currently insufficient to determine the role of this variant in disease. Therefore, it has been classified as a Variant of Uncertain Significance.

All of Us Research Program, National Institutes of Health
Classification: Uncertain significance for Familial isolated arrhythmogenic right ventricular dysplasia. Last evaluated: 2024-07-29. Review status: criteria provided, single submitter. Criteria: ACMG Guidelines, 2015. Collection method: clinical testing. Allele origin: germline. Inheritance: Autosomal dominant inheritance. Observed: 2 variant alleles, 2 heterozygotes.
Comment: This variant causes an in-frame deletion of two amino acids (p.Tyr248_Thr249del) in the DSC2 protein. To our knowledge, functional studies have not been reported for this variant. This variant has not been reported in individuals affected with DSC2-related disorders in the literature. This variant has been identified in 1/250810 chromosomes in the general population by the Genome Aggregation Database (gnomAD). The available evidence is insufficient to determine the role of this variant in disease conclusively. Therefore, this variant is classified as a Variant of Uncertain Significance.

This study involves interpretation of variants in research participants for the purpose of population health screening. Participant phenotype was not available at the time of variant classification. Additional details can be found in publication PMID: 35346344, PMCID: PMC8962531

New York Genome Center
Classification: Uncertain significance for Arrhythmogenic right ventricular dysplasia 11. Last evaluated: 2021-10-06. Review status: criteria provided, single submitter. Criteria: NYGC Assertion Criteria 2020. Collection method: clinical testing. Allele origin: germline. Observed: 1 heterozygote.
Comment: The c.743_748del variant identified in the DSC2 gene is predicted to result in deletion of two amino acids (p.(Tyr248_Thr249del)) that are located in the extracellular Cadherin 2 domain of the encoded protein without causing a shift in the reading frame (in-frame deletion). This variant is observed in three individuals across population databases (gnomAD v2.1.1 and v3.1.1, TOPMed Freeze 5) suggesting it is not a common benign variant in the populations represented in those databases. This variant has not been reported in the literature before, however, it has been reported three times in ClinVar as Variant of Uncertain Significance(ClinVar ID: 228626). Additionally, this variant was reported to be found in trans with the p.(Phe250Ser) variant in an individual with Arrhythmogenic right ventriculardysplasia 11 (ClinVar ID: 523128). Two single nucleotide variants and one deletion-insertion variant that are predicted to result in a missense variation at the residue p.Thr249 have also been reported six times in ClinVar as Variants of Unknown Significance (ClinVar IDs: 199763, 920996, 960002). In silico predictions are not applicable to this variant. Based on the available evidence the c.743_748del (p.(Tyr248_Thr249del)) variant identified in the DSC2 gene is reported as Variant of Uncertain Significance.

GeneDx
Classification: Uncertain significance. Last evaluated: 2018-05-23. Review status: criteria provided, single submitter. Criteria: GeneDx Variant Classification (06012015). Collection method: clinical testing. Allele origin: germline. Affected: yes.
Comment: The c.743_748delATACTT variant of uncertain significance in the DSC2 gene has not been published as pathogenic or been reported as benign to our knowledge. The c.743_748delATACTT variant has not been observed at a significant frequency in large population cohorts (Lek et al., 2016). This variant results in an in-frame deletion of two amino acids (tyrosine and threonine) at codons 248 and 249, denoted p.Tyr248_Thr249del, and does not result in a shift in reading frame or a premature stop codon. However, in-silico analyses, including protein predictors and evolutionary conservation, support a deleterious effect. Additionally, two other in-frame deletions in the DSC2 gene have been reported in the Human Gene Mutation Database in association with ARVC (Stenson et al., 2014). Nevertheless, in the absence of functional mRNA studies, the physiological consequence of this variant cannot be precisely determined.

Laboratory for Molecular Medicine, Mass General Brigham Personalized Medicine
Classification: Uncertain significance. Last evaluated: 2015-07-02. Review status: criteria provided, single submitter. Criteria: LMM Criteria. Collection method: clinical testing. Allele origin: germline. Observed: 1 variant allele.
Comment: The p.Tyr248_Thr249del variant in DSC2 has not been previously reported in indiv iduals with cardiomyopathy and data from large population studies is insufficien t to assess the frequency of this variant. This variant is a deletion of 2 amino acids starting at position 248 and is not predicted to alter the protein readin g-frame. It is unclear if this deletion will impact the protein. In summary, the clinical significance of the p.Tyr248_Thr249del variant is uncertain.

PreventionGenetics, part of Exact Sciences
Classification: Uncertain significance for DSC2-related condition. Last evaluated: 2024-03-25. Review status: no assertion criteria provided. Collection method: clinical testing. Allele origin: germline. Not counted in ClinVar's aggregate classification.
Comment: The DSC2 c.743_748del6 variant is predicted to result in an in-frame deletion (p.Tyr248_Thr249del). To our knowledge, this variant has not been reported in the literature. This variant is reported in 0.0062% of alleles in individuals of African descent in gnomAD. At this time, the clinical significance of this variant is uncertain due to the absence of conclusive functional and genetic evidence.